The following is an entry in ClinVar:

NM_006944.3(SPP2):c.75_76delinsCC (p.Trp25_Ser26delinsCysPro)

Gene: SPP2 (secreted phosphoprotein 2; plus strand). Cytogenetic location: 2q37.1.
Variant type: Indel.
Coding change: c.75_76delinsCC on transcript NM_006944.3 (MANE Select); coding-DNA positions 75 to 76, GT replaced by CC.
Protein change: p.Trp25_Ser26delinsCysPro.
Molecular consequence: missense variant.
Genome position (GRCh38, 1-based): chr2:234,050,861-234,050,862, GT replaced by CC. VCF-style: chr2-234050861-GT-CC. GRCh37 (hg19) VCF-style: chr2-234959505-GT-CC.
Identifiers: ClinVar variation 971622 (VCV000971622.9), dbSNP rs1693476656, ClinGen allele CA1139657792.

ClinVar aggregate classification (germline): Uncertain significance (1 of 4 stars; one submission).

Submission:

Labcorp Genetics (formerly Invitae), Labcorp
Classification: Uncertain significance. Last evaluated: 2024-02-24. Review status: criteria provided, single submitter. Criteria: Invitae Variant Classification Sherloc (09022015). Collection method: clinical testing. Allele origin: germline.
Comment: This variant, c.75_76delinsCC, is a complex sequence change that results in the deletion of 2 and insertion of 2 amino acid(s) in the SPP2 protein (p.Trp25_Ser26delinsCysPro). Information on the frequency of this variant in the gnomAD database is not available, as this variant may be reported differently in the database. This variant has not been reported in the literature in individuals affected with SPP2-related conditions. ClinVar contains an entry for this variant (Variation ID: 971622). Experimental studies and prediction algorithms are not available or were not evaluated, and the functional significance of this variant is currently unknown. In summary, the available evidence is currently insufficient to determine the role of this variant in disease. Therefore, it has been classified as a Variant of Uncertain Significance.